The following is an entry in ClinVar:

NM_002528.7(NTHL1):c.514G>A (p.Gly172Ser)

Gene: NTHL1 (nth like DNA glycosylase 1; minus strand). Cytogenetic location: 16p13.3.
Variant type: single nucleotide variant.
Coding change: c.514G>A on transcript NM_002528.7 (MANE Select); coding-DNA position 514, G replaced by A.
Protein change: p.Gly172Ser; replaces glycine 172 with serine.
Molecular consequence: missense variant. On other transcripts: intron variant (1).
Genome position (GRCh38, 1-based): chr16:2,044,641, C>T on the plus strand (G>A on the coding strand, the complement: NTHL1 is on the minus strand). VCF-style: chr16-2044641-C-T. GRCh37 (hg19) VCF-style: chr16-2094642-C-T.
Other names: c.184G>A, p.Gly62Ser (NM_001318194.2); c.355-915G>A (NM_001318193.2); short protein forms G62S, G172S.
Identifiers: ClinVar variation 825696 (VCV000825696.12), dbSNP rs1567369944, ClinGen allele CA394294101.

ClinVar aggregate classification (germline): Uncertain significance. Review status: criteria provided, multiple submitters, no conflicts (2 of 4 stars). 2 submissions from 2 submitters: Uncertain significance (2). Last evaluated 2025-11-28.

Conditions:
Hereditary cancer-predisposing syndrome. Also called: Neoplastic Syndromes, Hereditary; Tumor predisposition; Hereditary neoplastic syndrome; Hereditary Cancer Syndrome. Identifiers: Orphanet 140162, MedGen C0027672, MeSH D009386, MONDO:0015356.

Allele frequency attached by ClinVar (database versions not stated): TOPMed below 0.00001.
gnomAD v4.1: 4 of 1,605,438 alleles (0.00025%); highest among the groups gnomAD compares: Non-Finnish European, 0.00017%; no homozygotes.

Submissions (2):

Ambry Genetics
Classification: Uncertain significance for Hereditary cancer-predisposing syndrome. Last evaluated: 2025-11-28. Review status: criteria provided, single submitter. Criteria: Ambry Variant Classification Scheme 2023. Collection method: clinical testing. Allele origin: germline.
Comment: The p.G180S variant (also known as c.538G>A), located in coding exon 3 of the NTHL1 gene, results from a G to A substitution at nucleotide position 538. The glycine at codon 180 is replaced by serine, an amino acid with similar properties. This amino acid position is highly conserved in available vertebrate species. In addition, this alteration is predicted to be deleterious by in silico analysis. Since supporting evidence is limited at this time, the clinical significance of this alteration remains unclear.

Labcorp Genetics (formerly Invitae), Labcorp
Classification: Uncertain significance. Last evaluated: 2025-10-23. Review status: criteria provided, single submitter. Criteria: Invitae Variant Classification Sherloc (09022015). Collection method: clinical testing. Allele origin: germline.
Comment: This sequence change replaces glycine, which is neutral and non-polar, with serine, which is neutral and polar, at codon 180 of the NTHL1 protein (p.Gly180Ser). This variant is not present in population databases (gnomAD no frequency). This variant has not been reported in the literature in individuals affected with NTHL1-related conditions. ClinVar contains an entry for this variant (Variation ID: 825696). An algorithm developed to predict the effect of missense changes on protein structure and function (PolyPhen-2) suggests that this variant is likely to be disruptive. In summary, the available evidence is currently insufficient to determine the role of this variant in disease. Therefore, it has been classified as a Variant of Uncertain Significance.